The following is an entry in ClinVar:

ClinVar aggregate classification (germline): Benign. Review status: criteria provided, single submitter (1 of 4 stars). 2 submissions from 2 submitters: Benign (1). 1 of the submissions does not count toward it. Last evaluated 2026-02-01.

Conditions:
LRRK1-related disorder. Also called: LRRK1-related condition.

Submissions (2):

Labcorp Genetics (formerly Invitae), Labcorp
Classification: Benign. Last evaluated: 2026-02-01. Review status: criteria provided, single submitter. Criteria: Invitae Variant Classification Sherloc (09022015). Collection method: clinical testing. Allele origin: germline.

PreventionGenetics, part of Exact Sciences
Classification: Likely benign for LRRK1-related condition. Last evaluated: 2020-08-03. Review status: no assertion criteria provided. Collection method: clinical testing. Allele origin: germline. Not counted in ClinVar's aggregate classification.
Comment: This variant is classified as likely benign based on ACMG/AMP sequence variant interpretation guidelines (Richards et al. 2015 PMID: 25741868, with internal and published modifications).

NM_024652.6(LRRK1):c.1420-13CT[6]

Gene: LRRK1 (leucine rich repeat kinase 1; plus strand). Cytogenetic location: 15q26.3.
Variant type: Microsatellite.
Coding change: c.1420-13CT[6] on transcript NM_024652.6 (MANE Select); six copies in a row of the 2-base unit CT starting at c.1420-13.
Molecular consequence: intron variant.
Genome position: GRCh38 VCF-style: chr15-101014302-C-CCT. GRCh37 (hg19) VCF-style: chr15-101554507-C-CCT.
Other names: c.1420-4_1420-3dupTC (NM_024652.5).
Identifiers: ClinVar variation 1580859 (VCV001580859.10), dbSNP rs373037498, ClinGen allele CA7760884.
Genomic context (GRCh38, chr15:101,014,302, plus strand): 5'-TGGCTCTTCAGTCTCCCCTCCCTTCTTGTATCTGATGCTATCTTAGCTTCTCTCTCCCTC[C>CCT]CTCTCTCTCTCAGGCCCTCATGTTCTTGAGGTTACAGGGGAACCAGCTGGCGGCACTTCC-3'